The following is an entry in ClinVar:

ClinVar aggregate classification (germline): Pathogenic (1 of 4 stars; one submission).

Conditions:
Hereditary breast ovarian cancer syndrome. Also called: Hereditary breast and ovarian cancer; BRCA1- and BRCA2-Associated Hereditary Breast and Ovarian Cancer; Hereditary breast and/or ovarian cancer syndrome; Hereditary breast and ovarian cancer syndrome; Hereditary breast and ovarian cancer syndrome (HBOC); Breast and ovarian cancer. Identifiers: Orphanet 145, MedGen C0677776, MeSH D061325, MONDO:0003582. Disease mechanism: loss of function.

Submission:

Labcorp Genetics (formerly Invitae), Labcorp
Classification: Pathogenic for Hereditary breast ovarian cancer syndrome. Last evaluated: 2025-04-11. Review status: criteria provided, single submitter. Criteria: Invitae Variant Classification Sherloc (09022015). Collection method: clinical testing. Allele origin: germline.
Comment: This sequence change creates a premature translational stop signal (p.Ala344Valfs*30) in the BRCA1 gene. It is expected to result in an absent or disrupted protein product. Loss-of-function variants in BRCA1 are known to be pathogenic (PMID: 20104584). This variant is not present in population databases (gnomAD no frequency). This variant has not been reported in the literature in individuals affected with BRCA1-related conditions. ClinVar contains an entry for this variant (Variation ID: 958386). For these reasons, this variant has been classified as Pathogenic.

Literature cited by the submitters: PubMed 20104584.

NM_007294.4(BRCA1):c.1031del (p.Ala344fs)

Gene: BRCA1 (BRCA1 DNA repair associated; minus strand). Cytogenetic location: 17q21.31.
Variant type: Deletion.
Coding change: c.1031del on transcript NM_007294.4 (MANE Select); coding-DNA position 1031, one base deleted (C; older notation c.1031delC).
Protein change: p.Ala344fs; shifts the reading frame from alanine 344.
Molecular consequence: frameshift variant. On other transcripts: intron variant (137).
Genome position (GRCh38, 1-based): chr17:43,094,500, G deleted on the plus strand (C on the coding strand, the reverse complement: BRCA1 is on the minus strand). VCF-style (leftmost placement, unchanged base first): chr17-43094499-AG-A. GRCh37 (hg19) VCF-style: chr17-41246516-AG-A.
Other names: c.818del, p.Ala273fs (NM_001407571.1, NM_001407853.1, NM_001407894.1 and 9 more transcripts); c.1031del, p.Ala344fs (NM_001407581.1, NM_001407582.1, NM_001407583.1 and 30 more transcripts); c.1028del, p.Ala343fs (NM_001407587.1, NM_001407590.1, NM_001407591.1 and 22 more transcripts); c.1022del, p.Ala341fs (NM_001407646.1, NM_001407647.1); c.908del, p.Ala303fs (NM_001407648.1, NM_001407664.1, NM_001407665.1 and 19 more transcripts); c.905del, p.Ala302fs (NM_001407649.1, NM_001407670.1, NM_001407671.1 and 11 more transcripts); c.953del, p.Ala318fs (NM_001407653.1, NM_001407654.1, NM_001407655.1 and 4 more transcripts); c.950del, p.Ala317fs (NM_001407659.1, NM_001407660.1, NM_001407661.1 and 1 more transcripts); and 41 more; short protein forms A297fs, A344fs, A176fs, A233fs, A273fs, A274fs, A303fs, A343fs.
Identifiers: ClinVar variation 958386 (VCV000958386.9), dbSNP rs2054005225, ClinGen allele CA1139664798.